The following is an entry in ClinVar:

NM_002890.3(RASA1):c.2270_2272del (p.Leu757del)

Genes: CCNH (cyclin H; minus strand), RASA1 (RAS p21 protein activator 1; plus strand). Cytogenetic location: 5q14.3.
Variant type: Deletion.
Coding change: c.2270_2272del on transcript NM_002890.3 (MANE Select); coding-DNA positions 2270 to 2272, 3 bases deleted (TGA; older notation c.2270_2272delTGA).
Protein change: p.Leu757del; deletes leucine 757.
Molecular consequence: inframe deletion. On other transcripts: intron variant (1).
Genome position (GRCh38, 1-based): chr5:87,376,966-87,376,968, TGA deleted. VCF-style (leftmost placement, unchanged base first): chr5-87376965-CTGA-C. GRCh37 (hg19) VCF-style: chr5-86672782-CTGA-C.
Other names: c.1739_1741del, p.Leu580del (NM_022650.3); c.933+18076_933+18078del (NM_001364075.2); short protein forms L757del, L580del.
Identifiers: ClinVar variation 4779030 (VCV004779030.1).

ClinVar aggregate classification (germline): Uncertain significance (1 of 4 stars; one submission).

Conditions:
Capillary malformation-arteriovenous malformation syndrome. Also called: Capillary malformation-arteriovenous malformation. Identifiers: Orphanet 137667, MedGen C1842180, MONDO:0012016.

Submission:

Labcorp Genetics (formerly Invitae), Labcorp
Classification: Uncertain significance for Capillary malformation-arteriovenous malformation syndrome. Last evaluated: 2025-11-12. Review status: criteria provided, single submitter. Criteria: Invitae Variant Classification Sherloc (09022015). Collection method: clinical testing. Allele origin: germline.
Comment: This variant, c.2270_2272del, results in the deletion of 1 amino acid(s) of the RASA1 protein (p.Leu757del), but otherwise preserves the integrity of the reading frame. This variant is not present in population databases (gnomAD no frequency). This variant has not been reported in the literature in individuals affected with RASA1-related conditions. Experimental studies and prediction algorithms are not available or were not evaluated, and the functional significance of this variant is currently unknown. In summary, the available evidence is currently insufficient to determine the role of this variant in disease. Therefore, it has been classified as a Variant of Uncertain Significance.